The following is an entry in ClinVar:

ClinVar aggregate classification (germline): Pathogenic (1 of 4 stars; one submission).

Conditions:
Familial cancer of breast. Also called: hereditary breast carcinoma; Hereditary breast cancer; BREAST CANCER, FAMILIAL. Identifiers: Orphanet 227535, MedGen C0346153, MONDO:0016419, OMIM 114480. Disease mechanism: loss of function.

Submission:

Labcorp Genetics (formerly Invitae), Labcorp
Classification: Pathogenic for Familial cancer of breast. Last evaluated: 2018-11-14. Review status: criteria provided, single submitter. Criteria: Invitae Variant Classification Sherloc (09022015). Collection method: clinical testing. Allele origin: germline.
Comment: This variant is a gross deletion of the genomic region encompassing exons 1-3 of the PALB2 gene, which includes the initiator codon. The 5' end of this event is unknown as it extends beyond the assayed region for this gene and therefore may encompass additional genes. The 3' boundary is likely confined to intron 3 of the PALB2 gene. This is expected to result in an absent or disrupted protein product. This variant has not been reported in the literature in individuals with PALB2-related disease. Loss-of-function variants in PALB2 are known to be pathogenic (PMID: 17200668, 24136930, 25099575). For these reasons, this variant has been classified as Pathogenic.

Literature cited by the submitters: PubMed 17200668; PubMed 24136930; PubMed 25099575.

NC_000016.10:g.(?_23637840)_(23641167_?)del

Gene: PALB2 (partner and localizer of BRCA2; minus strand). Cytogenetic location: 16p12.2.
Variant type: Deletion.
Identifiers: ClinVar variation 650716 (VCV000650716.3).